The following is an entry in ClinVar:

ClinVar aggregate classification (germline): Pathogenic (1 of 4 stars; one submission).

Conditions:
Kabuki syndrome. Also called: Kabuki make-up syndrome; NIIKAWA-KUROKI SYNDROME. Identifiers: Orphanet 2322, MedGen C0796004, MONDO:0016512.

Submission:

Labcorp Genetics (formerly Invitae), Labcorp
Classification: Pathogenic for Kabuki syndrome. Last evaluated: 2020-02-24. Review status: criteria provided, single submitter. Criteria: Invitae Variant Classification Sherloc (09022015). Collection method: clinical testing. Allele origin: germline.
Comment: This sequence change creates a premature translational stop signal (p.Gln3961*) in the KMT2D gene. It is expected to result in an absent or disrupted protein product. This variant is not present in population databases (ExAC no frequency). This variant has not been reported in the literature in individuals with KMT2D-related disease. Loss-of-function variants in KMT2D are known to be pathogenic (PMID: 22126750). For these reasons, this variant has been classified as Pathogenic.

Literature cited by the submitters: PubMed 22126750.

NM_003482.4(KMT2D):c.11881C>T (p.Gln3961Ter)

Gene: KMT2D (lysine methyltransferase 2D; minus strand). Cytogenetic location: 12q13.12.
Variant type: single nucleotide variant.
Coding change: c.11881C>T on transcript NM_003482.4 (MANE Select); coding-DNA position 11881, C replaced by T.
Protein change: p.Gln3961Ter; replaces glutamine 3961 with a stop codon.
Molecular consequence: nonsense.
Genome position (GRCh38, 1-based): chr12:49,032,824, G>A on the plus strand (C>T on the coding strand, the complement: KMT2D is on the minus strand). VCF-style: chr12-49032824-G-A. GRCh37 (hg19) VCF-style: chr12-49426607-G-A.
Other names: short protein forms Q3961*.
Identifiers: ClinVar variation 581886 (VCV000581886.8), dbSNP rs1565776616, ClinGen allele CA384714434.